The following is an entry in ClinVar:

ClinVar aggregate classification (germline): Uncertain significance (1 of 4 stars; one submission).

Submission:

Labcorp Genetics (formerly Invitae), Labcorp
Classification: Uncertain significance. Last evaluated: 2020-10-27. Review status: criteria provided, single submitter. Criteria: Invitae Variant Classification Sherloc (09022015). Collection method: clinical testing. Allele origin: germline.
Comment: In summary, the available evidence is currently insufficient to determine the role of this variant in disease. Therefore, it has been classified as a Variant of Uncertain Significance. Nucleotide substitutions within the consensus splice site are a relatively common cause of aberrant splicing (PMID: 17576681, 9536098). Algorithms developed to predict the effect of sequence changes on RNA splicing suggest that this variant may disrupt the consensus splice site, but this prediction has not been confirmed by published transcriptional studies. This variant has not been reported in the literature in individuals with ABRAXAS1-related conditions. This variant is not present in population databases (ExAC no frequency). This sequence change falls in intron 7 of the ABRAXAS1 gene. It does not directly change the encoded amino acid sequence of the ABRAXAS1 protein. It affects a nucleotide within the consensus splice site of the intron.

Literature cited by the submitters: PubMed 17576681; PubMed 9536098.

NM_139076.3(ABRAXAS1):c.681+5G>A

Gene: ABRAXAS1 (abraxas 1, BRCA1 A complex subunit; minus strand). Cytogenetic location: 4q21.23.
Variant type: single nucleotide variant.
Coding change: c.681+5G>A on transcript NM_139076.3 (MANE Select); 5 bases into the intron after coding-DNA position 681, G replaced by A.
Molecular consequence: intron variant.
Genome position (GRCh38, 1-based): chr4:83,467,449, C>T on the plus strand (G>A on the coding strand, the complement: ABRAXAS1 is on the minus strand). VCF-style: chr4-83467449-C-T. GRCh37 (hg19) VCF-style: chr4-84388602-C-T.
Other names: c.354+5G>A (NM_001345962.2).
Identifiers: ClinVar variation 1010704 (VCV001010704.6), dbSNP rs1722414601, ClinGen allele CA1472784372.